The following is an entry in ClinVar:

NM_001127222.2(CACNA1A):c.6663G>A (p.Pro2221=)

Gene: CACNA1A (calcium voltage-gated channel subunit alpha1 A; minus strand). Cytogenetic location: 19p13.13.
Variant type: single nucleotide variant.
Coding change: c.6663G>A on transcript NM_001127222.2 (MANE Select); coding-DNA position 6663, G replaced by A.
Protein change: p.Pro2221=; no amino-acid change (proline 2221 retained).
Molecular consequence: synonymous variant.
Genome position (GRCh38, 1-based): chr19:13,208,873, C>T on the plus strand (G>A on the coding strand, the complement: CACNA1A is on the minus strand). VCF-style: chr19-13208873-C-T. GRCh37 (hg19) VCF-style: chr19-13319687-C-T.
Other names: c.6681G>A, p.Pro2227= (NM_000068.4, NM_023035.3); c.6666G>A, p.Pro2222= (NM_001127221.2); c.6672G>A, p.Pro2224= (NM_001174080.2); c.6663G>A (NM_001127222.1).
Identifiers: ClinVar variation 759235 (VCV000759235.34), dbSNP rs1447103387, ClinGen allele CA505659237.

ClinVar aggregate classification (germline): Likely benign. Review status: criteria provided, multiple submitters, no conflicts (2 of 4 stars). 3 submissions from 3 submitters: Likely benign (3). Last evaluated 2026-08-21.

Conditions:
CACNA1A-related disorder. Also called: CACNA1A-related condition.
Episodic ataxia type 2 (EA2). Also called: EPISODIC ATAXIA, NYSTAGMUS-ASSOCIATED; ATAXIA, EPISODIC, WITH NYSTAGMUS; ATAXIA, FAMILIAL PAROXYSMAL; CEREBELLAR ATAXIA, PAROXYSMAL, ACETAZOLAMIDE-RESPONSIVE; CEREBELLOPATHY, HEREDITARY PAROXYSMAL; ACETAZOLAMIDE-RESPONSIVE HEREDITARY PAROXYSMAL CEREBELLAR ATAXIA. Identifiers: Orphanet 97, MedGen C1720416, MONDO:0007163, OMIM 108500.
Developmental and epileptic encephalopathy, 42 (DEE42A). Also called: Epileptic encephalopathy, early infantile, 42; DEVELOPMENTAL AND EPILEPTIC ENCEPHALOPATHY 42A; EPILEPTIC ENCEPHALOPATHY, EARLY INFANTILE, 42A. Identifiers: MedGen C4310716, MONDO:0014917, OMIM 617106.

Allele frequency attached by ClinVar (database versions not stated): TOPMed 0.00003; gnomAD exomes 0.00004 and 0.00005; gnomAD 0.00005 and 0.00007; 1000 Genomes Project 30x 0.00047.
gnomAD v4.1: 42 of 870,744 alleles (0.0048%); highest among the groups gnomAD compares: South Asian, 0.027%; no homozygotes.

Submissions (3):

PreventionGenetics, part of Exact Sciences
Classification: Likely benign for CACNA1A-related condition. Last evaluated: 2026-08-21. Review status: criteria provided, single submitter. Criteria: ACMG Guidelines, 2015. Collection method: clinical testing. Allele origin: germline.
Comment: This variant is classified as likely benign based on ACMG/AMP sequence variant interpretation guidelines (Richards et al. 2015 PMID: 25741868, with internal and published modifications).

Labcorp Genetics (formerly Invitae), Labcorp
Classification: Likely benign for Developmental and epileptic encephalopathy, 42; Episodic ataxia type 2. Last evaluated: 2026-01-19. Review status: criteria provided, single submitter. Criteria: Invitae Variant Classification Sherloc (09022015). Collection method: clinical testing. Allele origin: germline.

CeGaT Center for Human Genetics Tuebingen
Classification: Likely benign. Last evaluated: 2024-08-01. Review status: criteria provided, single submitter. Criteria: CeGaT Center For Human Genetics Tuebingen Variant Classification Criteria Version 2. Collection method: clinical testing. Allele origin: germline. Affected: yes. Observed: 2 variant alleles.
Comment: CACNA1A: BP4, BP7